The following is an entry in ClinVar:

ClinVar aggregate classification (germline): Pathogenic. Review status: criteria provided, multiple submitters, no conflicts (2 of 4 stars). 5 submissions from 5 submitters: Pathogenic (2). 3 of the submissions do not count toward it. Last evaluated 2024-05-08.

Conditions:
Gnathodiaphyseal dysplasia (GDD). Also called: GNATHODIAPHYSEAL SCLEROSIS; OSTEOGENESIS IMPERFECTA WITH UNUSUAL SKELETAL LESIONS. Identifiers: Orphanet 53697, MedGen C1833736, MONDO:0008151, OMIM 166260.
Autosomal recessive limb-girdle muscular dystrophy type 2L (LGMDR12). Also called: Limb-Girdle Muscular Dystrophy R12 Anoctamin-5-Related (LGMD-R12); Limb-girdle muscular dystrophy, type 2L; MUSCULAR DYSTROPHY, LIMB-GIRDLE, AUTOSOMAL RECESSIVE 12. Identifiers: Orphanet 206549, MedGen C1969785, MONDO:0012652, OMIM 611307.
ANO5-related disorder. Also called: ANO5-related condition; ANO5-related disorders. Identifiers: MedGen CN239193.

Submissions (5):

Blueprint Genetics
Classification: Pathogenic for ANO5-related disorders. Last evaluated: 2024-05-08. Review status: criteria provided, single submitter. Criteria: ACMG Guidelines, 2015. Collection method: clinical testing. Allele origin: germline. Affected: yes. Observed: 4 variant alleles.

Labcorp Genetics (formerly Invitae), Labcorp
Classification: Pathogenic for Autosomal recessive limb-girdle muscular dystrophy type 2L; Gnathodiaphyseal dysplasia. Last evaluated: 2022-10-13. Review status: criteria provided, single submitter. Criteria: Invitae Variant Classification Sherloc (09022015). Collection method: clinical testing. Allele origin: germline.
Comment: This premature translational stop signal has been observed in individual(s) with autosomal recessive limb-girdle muscular dystrophy (PMID: 22402862). ClinVar contains an entry for this variant (Variation ID: 39277). For these reasons, this variant has been classified as Pathogenic. This sequence change creates a premature translational stop signal (p.Gln771Alafs*8) in the ANO5 gene. It is expected to result in an absent or disrupted protein product. Loss-of-function variants in ANO5 are known to be pathogenic (PMID: 21186264, 23606453, 25891276, 30919934). This variant is present in population databases (rs746988059, gnomAD 0.03%).

OMIM
Classification: Pathogenic for MUSCULAR DYSTROPHY, LIMB-GIRDLE, AUTOSOMAL RECESSIVE 12. Last evaluated: 2012-03-20. Review status: no assertion criteria provided. Collection method: literature only. Allele origin: germline. Not counted in ClinVar's aggregate classification.

ANO5 @LOVD
No classification provided. Review status: no classification provided. Collection method: not provided. Allele origin: unknown. Not counted in ClinVar's aggregate classification.

GeneReviews
No classification provided. Condition: Autosomal recessive limb-girdle muscular dystrophy type 2L. Review status: no classification provided. Collection method: literature only. Allele origin: unknown. Not counted in ClinVar's aggregate classification.

Literature cited by the submitters: PubMed 22402862 (cited by Labcorp Genetics (formerly Invitae), Labcorp and OMIM); PubMed 21186264 (cited by Labcorp Genetics (formerly Invitae), Labcorp); PubMed 23606453 (cited by Labcorp Genetics (formerly Invitae), Labcorp); PubMed 25891276 (cited by Labcorp Genetics (formerly Invitae), Labcorp); PubMed 30919934 (cited by Labcorp Genetics (formerly Invitae), Labcorp); PubMed 23193613 (cited by GeneReviews); NCBI Bookshelf NBK114459 (cited by GeneReviews).

NM_213599.3(ANO5):c.2311_2312del (p.Gln771fs)

Gene: ANO5 (anoctamin 5; plus strand). Cytogenetic location: 11p14.3.
Variant type: Microsatellite.
Coding change: c.2311_2312del on transcript NM_213599.3 (MANE Select); coding-DNA positions 2311 to 2312, 2 bases deleted (CA; older notation c.2311_2312delCA).
Protein change: p.Gln771fs; shifts the reading frame from glutamine 771.
Molecular consequence: frameshift variant.
Genome position (GRCh38, 1-based): chr11:22,274,644-22,274,645, CA deleted; deleting any 2 consecutive bases within chr11:22,274,640-22,274,645 gives the same sequence; the c. name uses the placement nearest the transcript's 3' end. VCF-style (leftmost placement, unchanged base first): chr11-22274639-CCA-C. GRCh37 (hg19) VCF-style: chr11-22296185-CCA-C.
Other names: c.2308_2309del, p.Gln770fs (NM_001142649.2); c.2311_2312delCA (NM_213599.2); short protein forms Q770fs, Q771fs.
Identifiers: ClinVar variation 39277 (VCV000039277.13), dbSNP rs137854528, ClinGen allele CA232793.